The following is an entry in ClinVar:

ClinVar aggregate classification (germline): Uncertain significance (1 of 4 stars; one submission).

Conditions:
Centromeric instability of chromosomes 1,9 and 16 and immunodeficiency (ICF1). Also called: IMMUNE DEFICIENCY, VARIABLE, WITH CENTROMERIC INSTABILITY OF CHROMOSOMES 1, 9, AND 16; IMMUNODEFICIENCY SYNDROME, VARIABLE; Immunodeficiency-centromeric instability-facial anomalies; CENTROMERIC INSTABILITY, IMMUNODEFICIENCY SYNDROME. Identifiers: Orphanet 2268, MedGen C0398788, MONDO:0000133.

Allele frequency attached by ClinVar (database versions not stated): TOPMed below 0.00001; gnomAD exomes 0.00001 and 0.00002; ExAC 0.00002.
gnomAD v4.1: 6 of 1,613,952 alleles (0.00037%); highest among the groups gnomAD compares: Admixed American, 0.01%; no homozygotes.

Submission:

Labcorp Genetics (formerly Invitae), Labcorp
Classification: Uncertain significance for Centromeric instability of chromosomes 1,9 and 16 and immunodeficiency. Last evaluated: 2020-02-27. Review status: criteria provided, single submitter. Criteria: Invitae Variant Classification Sherloc (09022015). Collection method: clinical testing. Allele origin: germline.
Comment: In summary, the available evidence is currently insufficient to determine the role of this variant in disease. Therefore, it has been classified as a Variant of Uncertain Significance. Algorithms developed to predict the effect of missense changes on protein structure and function output the following: SIFT: "Tolerated"; PolyPhen-2: "Benign"; Align-GVGD: "Class C0". The alanine amino acid residue is found in multiple mammalian species, suggesting that this missense change does not adversely affect protein function. These predictions have not been confirmed by published functional studies and their clinical significance is uncertain. This variant has not been reported in the literature in individuals with DNMT3B-related conditions. This variant is present in population databases (rs780085636, ExAC 0.02%). This sequence change replaces glycine with alanine at codon 126 of the DNMT3B protein (p.Gly126Ala). The glycine residue is highly conserved and there is a small physicochemical difference between glycine and alanine.

NM_006892.4(DNMT3B):c.377G>C (p.Gly126Ala)

Gene: DNMT3B (DNA methyltransferase 3 beta; plus strand). Cytogenetic location: 20q11.21.
Variant type: single nucleotide variant.
Coding change: c.377G>C on transcript NM_006892.4 (MANE Select); coding-DNA position 377, G replaced by C.
Protein change: p.Gly126Ala; replaces glycine 126 with alanine.
Molecular consequence: missense variant. On other transcripts: intron variant (2).
Genome position (GRCh38, 1-based): chr20:32,786,572, G>C. VCF-style: chr20-32786572-G-C. GRCh37 (hg19) VCF-style: chr20-31374378-G-C.
Other names: c.377G>C, p.Gly126Ala (NM_175848.2, NM_175849.2); c.413G>C, p.Gly138Ala (NM_175850.3); c.307-658G>C (NM_001207055.2); c.205-658G>C (NM_001207056.2); short protein forms G126A, G138A.
Identifiers: ClinVar variation 1016232 (VCV001016232.6), dbSNP rs780085636, ClinGen allele CA9810171.